The following is an entry in ClinVar:

ClinVar aggregate classification (germline): Uncertain significance (1 of 4 stars; one submission).

Conditions:
Neurodevelopmental disorder with hypotonia and variable intellectual and behavioral abnormalities. Identifiers: MedGen C5231423, MONDO:0032829, OMIM 618603.

Submission:

Juno Genomics, Hangzhou Juno Genomics, Inc
Classification: Uncertain significance for Neurodevelopmental disorder with hypotonia and variable intellectual and behavioral abnormalities. Review status: criteria provided, single submitter. Criteria: ACMG Guidelines, 2015. Collection method: clinical testing. Allele origin: germline.
Comment: Absent from controls (or at extremely low frequency if recessive) in Genome Aggregation Database.;Missense variant in a gene that has a low rate of benign missense variation.

NM_000937.5(POLR2A):c.871C>T (p.Arg291Trp)

Gene: POLR2A (RNA polymerase II subunit A; plus strand). Cytogenetic location: 17p13.1.
Variant type: single nucleotide variant.
Coding change: c.871C>T on transcript NM_000937.5 (MANE Select); coding-DNA position 871, C replaced by T.
Protein change: p.Arg291Trp; replaces arginine 291 with tryptophan.
Molecular consequence: missense variant.
Genome position (GRCh38, 1-based): chr17:7,497,407, C>T. VCF-style: chr17-7497407-C-T. GRCh37 (hg19) VCF-style: chr17-7400726-C-T.
Other names: short protein forms R291W.
Identifiers: ClinVar variation 5005812 (VCV005005812.2).